The following is an entry in ClinVar:

ClinVar aggregate classification (germline): Likely benign. Review status: criteria provided, multiple submitters, no conflicts (2 of 4 stars). 3 submissions from 3 submitters: Likely benign (3). Last evaluated 2025-08-29.

Conditions:
Charcot-Marie-Tooth disease dominant intermediate E. Also called: CHARCOT-MARIE-TOOTH NEUROPATHY WITH FOCAL SEGMENTAL GLOMERULONEPHRITIS. Identifiers: Orphanet 93114, MedGen C4302667, MONDO:0013758, OMIM 614455.
Focal segmental glomerulosclerosis 5 (FSGS5). Identifiers: Orphanet 656, MedGen C2750475, MONDO:0013191, OMIM 613237.
INF2-related disorder. Also called: INF2-related condition.

gnomAD v4.1: 4 of 1,602,244 alleles (0.00025%); highest among the groups gnomAD compares: Admixed American, 0.005%; no homozygotes.

Submissions (3):

PreventionGenetics, part of Exact Sciences
Classification: Likely benign for INF2-related condition. Last evaluated: 2025-08-29. Review status: criteria provided, single submitter. Criteria: ACMG Guidelines, 2015. Collection method: clinical testing. Allele origin: germline.
Comment: This variant is classified as likely benign based on ACMG/AMP sequence variant interpretation guidelines (Richards et al. 2015 PMID: 25741868, with internal and published modifications).

Blueprint Genetics
Classification: Likely benign. Last evaluated: 2023-05-15. Review status: criteria provided, single submitter. Criteria: ACMG Guidelines, 2015. Collection method: clinical testing. Allele origin: germline.

Labcorp Genetics (formerly Invitae), Labcorp
Classification: Likely benign for Charcot-Marie-Tooth disease dominant intermediate E; Focal segmental glomerulosclerosis 5. Last evaluated: 2020-07-14. Review status: criteria provided, single submitter. Criteria: Invitae Variant Classification Sherloc (09022015). Collection method: clinical testing. Allele origin: germline.

NM_022489.4(INF2):c.894C>G (p.Leu298=)

Gene: INF2 (inverted formin 2; plus strand). Cytogenetic location: 14q32.33.
Variant type: single nucleotide variant.
Coding change: c.894C>G on transcript NM_022489.4 (MANE Select); coding-DNA position 894, C replaced by G.
Protein change: p.Leu298=; no amino-acid change (leucine 298 retained).
Molecular consequence: synonymous variant.
Genome position (GRCh38, 1-based): chr14:104,706,960, C>G. VCF-style: chr14-104706960-C-G. GRCh37 (hg19) VCF-style: chr14-105173297-C-G.
Other names: c.894C>G (NM_022489.3); c.894C>G, p.Leu298= (NM_001031714.4).
Identifiers: ClinVar variation 1098026 (VCV001098026.6), dbSNP rs1271012052, ClinGen allele CA488445252.